The following is an entry in ClinVar:

ClinVar aggregate classification (germline): Likely benign. Review status: criteria provided, multiple submitters, no conflicts (2 of 4 stars). 2 submissions from 2 submitters: Likely benign (2). Last evaluated 2025-08-08.

Conditions:
LAMA2-related muscular dystrophy (LAMA2-RD). Also called: Laminin alpha 2-related dystrophy. Identifiers: MedGen C5679788, MONDO:0100228.

Allele frequency attached by ClinVar (database versions not stated): gnomAD exomes 0.00001 and 0.00003; TOPMed 0.00001; ExAC 0.00002.
gnomAD v4.1: 7 of 1,609,428 alleles (0.00043%); highest among the groups gnomAD compares: Admixed American, 0.012%; no homozygotes.

Submissions (2):

Mayo Clinic Laboratories, Mayo Clinic
Classification: Likely benign. Last evaluated: 2025-08-08. Review status: criteria provided, single submitter. Criteria: ACMG Guidelines, 2015. Collection method: clinical testing. Allele origin: germline. Observed: 1 variant allele.
Comment: BP4, BP7

Labcorp Genetics (formerly Invitae), Labcorp
Classification: Likely benign for LAMA2-related muscular dystrophy. Last evaluated: 2023-10-25. Review status: criteria provided, single submitter. Criteria: Invitae Variant Classification Sherloc (09022015). Collection method: clinical testing. Allele origin: germline.

NM_000426.4(LAMA2):c.5234+10T>C

Gene: LAMA2 (laminin subunit alpha 2; plus strand). Cytogenetic location: 6q22.33.
Variant type: single nucleotide variant.
Coding change: c.5234+10T>C on transcript NM_000426.4 (MANE Select); 10 bases into the intron after coding-DNA position 5234, T replaced by C.
Molecular consequence: intron variant.
Genome position (GRCh38, 1-based): chr6:129,391,663, T>C. VCF-style: chr6-129391663-T-C. GRCh37 (hg19) VCF-style: chr6-129712808-T-C.
Other names: p.?; c.5234+10T>C (NM_001079823.2, NM_000426.3).
Identifiers: ClinVar variation 1077948 (VCV001077948.10), dbSNP rs756344367, ClinGen allele CA3993806.
Genomic context (GRCh38, chr6:129,391,663, plus strand): 5'-GAGGAGGAAAAATCTAGAGACACAAAAGGAAATTGCTGAAGATGAGTTGGTGTGAGTAGA[T>C]GAGTTATTATTTTTTCTTTTGACAAACTGAGATTTCCAGATAATTTACAGTTTTCTAAAT-3'